The following is an entry in ClinVar:

NM_001849.4(COL6A2):c.2220_2222del (p.Asp741del)

Gene: COL6A2 (collagen type VI alpha 2 chain; plus strand). Cytogenetic location: 21q22.3.
Variant type: Deletion.
Coding change: c.2220_2222del on transcript NM_001849.4 (MANE Select); coding-DNA positions 2220 to 2222, 3 bases deleted (TGA; older notation c.2220_2222delTGA).
Protein change: p.Asp741del; deletes aspartic acid 741.
Molecular consequence: inframe deletion. On other transcripts: inframe indel (1).
Genome position (GRCh38, 1-based): chr21:46,126,035-46,126,037, TGA deleted; deleting any 3 consecutive bases within chr21:46,126,033-46,126,037 gives the same sequence; the c. name uses the placement nearest the transcript's 3' end. VCF-style (leftmost placement, unchanged base first): chr21-46126032-CGAT-C. GRCh37 (hg19) VCF-style: chr21-47545946-CGAT-C.
Other names: c.2220_2222delTGA, p.Asp741del (NM_001849.3); c.2220_2222del, p.Asp741del (NM_058174.3, NM_058175.3); short protein forms D741del.
Identifiers: ClinVar variation 2574623 (VCV002574623.2), dbSNP rs753220080, ClinGen allele CA10072472.

ClinVar aggregate classification (germline): Likely pathogenic (0 of 4 stars; one submission).

Conditions:
Tip-toe gait. Also called: Toe walking. Identifiers: MedGen C0427144, HP:0030051.

Submission:

Practice for Gait Abnormalities, David Pomarino, Competency Network Toe Walking C/o Practice Pomarino
Classification: Likely pathogenic for Tip-toe gait. Last evaluated: 2022-03-21. Review status: no assertion criteria provided. Collection method: clinical testing. Allele origin: germline. Affected: yes.
Comment: Myopathy refers to diseases that affect skeletal Muscles. These diseases attack muscle fibers, making muscles weak. Inherited myopathies are often caused by inheriting an abnormal gene mutation from a parent that causes the disease. Symptoms of congenital myopathies usually start at birth or in early childhood, but may not appear until the teen years or even later in adulthood. Congenital myopathies are somewhat unique compared with other inherited myopathies, as weakness typically affects all muscles and is often not progressive. Symptoms are: Muscle weakness, most commonly of upper arms and shoulders and thighs, muscle cramps, stiffness and spasms, fatigue with exertion and lack of energy. Our patients all walk on tiptoe, so they show similar symptoms. When we genetically test them with our toe walking panel, we find that around 90 per cent of them have a genetic variant that explains their toe walking. These can be assigned, for example, to the area of myopathies (such as variants of the COL6A3 gene), the area of hereditary neuropathies (such as variants of the KMT2C gene) or the area of metabolic diseases (such as variants of the PYGM gene). In a smaller group of patients with almost identical symptoms, no abnormality is found in the genes of our panel, but spastic paraplegia can be detected. In another small group of our toe walkers, no abnormalities can be detected in the genes analysed in our toe walking panel, nor do they suffer from spastic paraplegia, as is also the case with healthy children. In contrast to these, however, they show a tiptoe gait. These patients suffer from infantile cerebral palsy, in which toe walking can also be observed.

Literature cited by the submitters: PubMed 37091313.